The following is an entry in ClinVar:

NM_002691.4(POLD1):c.592A>G (p.Met198Val)

Gene: POLD1 (DNA polymerase delta 1, catalytic subunit; plus strand). Cytogenetic location: 19q13.33.
Variant type: single nucleotide variant.
Coding change: c.592A>G on transcript NM_002691.4 (MANE Select); coding-DNA position 592, A replaced by G.
Protein change: p.Met198Val; replaces methionine 198 with valine.
Molecular consequence: missense variant. On other transcripts: non-coding transcript variant (1).
Genome position (GRCh38, 1-based): chr19:50,402,207, A>G. VCF-style: chr19-50402207-A-G. GRCh37 (hg19) VCF-style: chr19-50905464-A-G.
Other names: c.592A>G, p.Met198Val (NM_001256849.1, NM_001308632.1); short protein forms M198V.
Identifiers: ClinVar variation 1051908 (VCV001051908.9), dbSNP rs2038671619, ClinGen allele CA406973712.

ClinVar aggregate classification (germline): Uncertain significance (1 of 4 stars; one submission).

Conditions:
POLD1-related polyposis and colorectal cancer syndrome (CRCS10). Also called: Colorectal cancer 10; COLORECTAL CANCER, SUSCEPTIBILITY TO, ON CHROMOSOME 19q; Colorectal cancer, susceptibility to, 10. Identifiers: Orphanet 220460, MedGen C2675481, MONDO:0012953, OMIM 612591.

Allele frequency attached by ClinVar (database versions not stated): gnomAD exomes below 0.00001; TOPMed below 0.00001; gnomAD 0.00001.

Submission:

Labcorp Genetics (formerly Invitae), Labcorp
Classification: Uncertain significance for POLD1-related polyposis and colorectal cancer syndrome. Last evaluated: 2023-01-21. Review status: criteria provided, single submitter. Criteria: Invitae Variant Classification Sherloc (09022015). Collection method: clinical testing. Allele origin: germline.
Comment: In summary, the available evidence is currently insufficient to determine the role of this variant in disease. Therefore, it has been classified as a Variant of Uncertain Significance. Algorithms developed to predict the effect of missense changes on protein structure and function (SIFT, PolyPhen-2, Align-GVGD) all suggest that this variant is likely to be tolerated. ClinVar contains an entry for this variant (Variation ID: 1051908). This variant has not been reported in the literature in individuals affected with POLD1-related conditions. This variant is not present in population databases (gnomAD no frequency). This sequence change replaces methionine, which is neutral and non-polar, with valine, which is neutral and non-polar, at codon 198 of the POLD1 protein (p.Met198Val).